The following is an entry in ClinVar:

NM_005751.5(AKAP9):c.5357A>G (p.Glu1786Gly)

Gene: AKAP9 (A-kinase anchoring protein 9; plus strand). Cytogenetic location: 7q21.2.
Variant type: single nucleotide variant.
Coding change: c.5357A>G on transcript NM_005751.5 (MANE Select); coding-DNA position 5357, A replaced by G.
Protein change: p.Glu1786Gly; replaces glutamic acid 1786 with glycine.
Molecular consequence: missense variant.
Genome position (GRCh38, 1-based): chr7:92,045,202, A>G. VCF-style: chr7-92045202-A-G. GRCh37 (hg19) VCF-style: chr7-91674516-A-G.
Other names: c.5357A>G, p.Glu1786Gly (NM_147185.3); short protein forms E1786G.
Identifiers: ClinVar variation 1931379 (VCV001931379.6), dbSNP rs1008740513, ClinGen allele CA161902581.

ClinVar aggregate classification (germline): Uncertain significance. Review status: criteria provided, multiple submitters, no conflicts (2 of 4 stars). 2 submissions from 2 submitters: Uncertain significance (2). Last evaluated 2025-12-11.

Conditions:
Cardiovascular phenotype. Identifiers: MedGen CN230736.
Long QT syndrome (LQTS). Identifiers: MedGen C0023976, MeSH D008133, MONDO:0002442. Disease mechanism: loss of function. Inheritance: Various modes of inheritance.

Allele frequency attached by ClinVar (database versions not stated): gnomAD exomes below 0.00001; TOPMed 0.00002.
gnomAD v4.1: 1 of 1,613,838 alleles (0.000062%); highest among the groups gnomAD compares: Non-Finnish European, 0.000085%; no homozygotes.

Submissions (2):

Ambry Genetics
Classification: Uncertain significance for Cardiovascular phenotype. Last evaluated: 2025-12-11. Review status: criteria provided, single submitter. Criteria: Ambry Variant Classification Scheme 2023. Collection method: clinical testing. Allele origin: germline.
Comment: The p.E1786G variant (also known as c.5357A>G), located in coding exon 21 of the AKAP9 gene, results from an A to G substitution at nucleotide position 5357. The glutamic acid at codon 1786 is replaced by glycine, an amino acid with similar properties. This amino acid position is conserved. In addition, this alteration is predicted to be tolerated by in silico analysis. Based on the available evidence, the clinical significance of this variant remains unclear.

Labcorp Genetics (formerly Invitae), Labcorp
Classification: Uncertain significance for Long QT syndrome. Last evaluated: 2022-05-27. Review status: criteria provided, single submitter. Criteria: Invitae Variant Classification Sherloc (09022015). Collection method: clinical testing. Allele origin: germline.
Comment: This sequence change replaces glutamic acid, which is acidic and polar, with glycine, which is neutral and non-polar, at codon 1786 of the AKAP9 protein (p.Glu1786Gly). This variant is not present in population databases (gnomAD no frequency). This variant has not been reported in the literature in individuals affected with AKAP9-related conditions. Algorithms developed to predict the effect of missense changes on protein structure and function (SIFT, PolyPhen-2, Align-GVGD) all suggest that this variant is likely to be tolerated. In summary, the available evidence is currently insufficient to determine the role of this variant in disease. Therefore, it has been classified as a Variant of Uncertain Significance.